The following is an entry in ClinVar:

ClinVar aggregate classification (germline): Pathogenic (1 of 4 stars; one submission).

Conditions:
L-2-hydroxyglutaric aciduria (L2HGA). Identifiers: Orphanet 79314, MedGen C1855995, MONDO:0009370, OMIM 236792, HP:0040144.

Submission:

Labcorp Genetics (formerly Invitae), Labcorp
Classification: Pathogenic for L-2-hydroxyglutaric aciduria. Last evaluated: 2024-11-04. Review status: criteria provided, single submitter. Criteria: Invitae Variant Classification Sherloc (09022015). Collection method: clinical testing. Allele origin: germline.
Comment: This sequence change creates a premature translational stop signal (p.Phe315Serfs*11) in the L2HGDH gene. It is expected to result in an absent or disrupted protein product. Loss-of-function variants in L2HGDH are known to be pathogenic (PMID: 16134148, 20052767). This variant is not present in population databases (gnomAD no frequency). This variant has not been reported in the literature in individuals affected with L2HGDH-related conditions. ClinVar contains an entry for this variant (Variation ID: 2026101). Algorithms developed to predict the effect of sequence changes on RNA splicing suggest that this variant may disrupt the consensus splice site. For these reasons, this variant has been classified as Pathogenic.

Literature cited by the submitters: PubMed 16134148; PubMed 20052767.

NM_024884.3(L2HGDH):c.944del (p.Phe315fs)

Gene: L2HGDH (L-2-hydroxyglutarate dehydrogenase; minus strand). Cytogenetic location: 14q21.3.
Variant type: Deletion.
Coding change: c.944del on transcript NM_024884.3 (MANE Select); coding-DNA position 944, one base deleted (T; older notation c.944delT).
Protein change: p.Phe315fs; shifts the reading frame from phenylalanine 315.
Molecular consequence: frameshift variant.
Genome position (GRCh38, 1-based): chr14:50,267,873, A deleted on the plus strand (T on the coding strand, the reverse complement: L2HGDH is on the minus strand); the first of 2 consecutive A bases (chr14:50,267,873-50,267,874); deleting either gives the same sequence. VCF-style (leftmost placement, unchanged base first): chr14-50267872-GA-G. GRCh37 (hg19) VCF-style: chr14-50734590-GA-G.
Other names: short protein forms F315fs.
Identifiers: ClinVar variation 2026101 (VCV002026101.4), dbSNP rs2503508939, ClinGen allele CA2580088176.